The following is an entry in ClinVar:

NM_013450.4(BAZ2B):c.2520A>C (p.Ala840=)

Gene: BAZ2B (bromodomain adjacent to zinc finger domain 2B; minus strand). Cytogenetic location: 2q24.2.
Variant type: single nucleotide variant.
Coding change: c.2520A>C on transcript NM_013450.4 (MANE Select); coding-DNA position 2520, A replaced by C.
Protein change: p.Ala840=; no amino-acid change (alanine 840 retained).
Molecular consequence: synonymous variant.
Genome position (GRCh38, 1-based): chr2:159,412,492, T>G on the plus strand (A>C on the coding strand, the complement: BAZ2B is on the minus strand). VCF-style: chr2-159412492-T-G. GRCh37 (hg19) VCF-style: chr2-160269003-T-G.
Other names: c.2412A>C, p.Ala804= (NM_001289975.1); c.2331A>C, p.Ala777= (NM_001329857.2); c.2418A>C, p.Ala806= (NM_001329858.2).
Identifiers: ClinVar variation 3059173 (VCV003059173.2), dbSNP rs3755433, ClinGen allele CA1924647.
Genomic context (GRCh38, chr2:159,412,492, plus strand): 5'-GGATTCCTCTCTTGCTCGTTGTCTATCTGGATTTGGTGGTCTTCCTCTACGACCTTCCAT[T>G]GCCCTGATACGAGGAATGACATCCTCTTCTTTCAAAAGACACCACTGCATTCCCTTTTAA-3'
Protein context (NP_038478.2, residues 830-850): KEEDVIPRIR[Ala840=]MEGRRGRPPN

ClinVar aggregate classification (germline): Benign (0 of 4 stars; one submission).

Conditions:
BAZ2B-related disorder. Also called: BAZ2B-related condition.

Allele frequency attached by ClinVar (database versions not stated): ESP Exome Variant Server 0.01145; TOPMed 0.01421; gnomAD 0.01497; gnomAD exomes 0.01718; ExAC 0.02395; 1000 Genomes Project 30x 0.03404; 1000 Genomes Project 0.03654.
gnomAD v4.1: 27,501 of 1,614,082 alleles (1.7%); highest among the groups gnomAD compares: East Asian, 13%; 603 homozygotes.

Submission:

PreventionGenetics, part of Exact Sciences
Classification: Benign for BAZ2B-related condition. Last evaluated: 2019-03-04. Review status: no assertion criteria provided. Collection method: clinical testing. Allele origin: germline.
Comment: This variant is classified as benign based on ACMG/AMP sequence variant interpretation guidelines (Richards et al. 2015 PMID: 25741868, with internal and published modifications).